The following is an entry in ClinVar:

NM_005149.3(TBX19):c.1053-7T>C

Gene: TBX19 (T-box transcription factor 19; plus strand). Cytogenetic location: 1q24.2.
Variant type: single nucleotide variant.
Coding change: c.1053-7T>C on transcript NM_005149.3 (MANE Select); 7 bases into the intron before coding-DNA position 1053, T replaced by C.
Molecular consequence: intron variant.
Genome position (GRCh38, 1-based): chr1:168,312,701, T>C. VCF-style: chr1-168312701-T-C. GRCh37 (hg19) VCF-style: chr1-168281939-T-C.
Other names: c.1053-7T>C (NM_005149.2).
Identifiers: ClinVar variation 2057988 (VCV002057988.6), dbSNP rs201753269, ClinGen allele CA1230746.

ClinVar aggregate classification (germline): Benign. Review status: criteria provided, single submitter (1 of 4 stars). 2 submissions from 2 submitters: Benign (1). 1 of the submissions does not count toward it. Last evaluated 2025-05-23.

Conditions:
TBX19-related disorder. Also called: TBX19-related condition.

Allele frequency attached by ClinVar (database versions not stated): gnomAD exomes 0.00007; ExAC 0.00020; TOPMed 0.00072; gnomAD 0.00073; ESP Exome Variant Server 0.00077; 1000 Genomes Project 0.00100; 1000 Genomes Project 30x 0.00141.
gnomAD v4.1: 216 of 1,610,750 alleles (0.013%); highest among the groups gnomAD compares: African/African-American, 0.25%; no homozygotes.

Submissions (2):

Labcorp Genetics (formerly Invitae), Labcorp
Classification: Benign. Last evaluated: 2025-05-23. Review status: criteria provided, single submitter. Criteria: Invitae Variant Classification Sherloc (09022015). Collection method: clinical testing. Allele origin: germline.

PreventionGenetics, part of Exact Sciences
Classification: Likely benign for TBX19-related condition. Last evaluated: 2019-10-28. Review status: no assertion criteria provided. Collection method: clinical testing. Allele origin: germline. Not counted in ClinVar's aggregate classification.
Comment: This variant is classified as likely benign based on ACMG/AMP sequence variant interpretation guidelines (Richards et al. 2015 PMID: 25741868, with internal and published modifications).